The following is an entry in ClinVar:

ClinVar aggregate classification (germline): Likely benign. Review status: criteria provided, single submitter (1 of 4 stars). 2 submissions from 2 submitters: Likely benign (1). 1 of the submissions does not count toward it. Last evaluated 2022-12-01.

Conditions:
FNDC3B-related disorder. Also called: FNDC3B-related condition.

Allele frequency attached by ClinVar (database versions not stated): 1000 Genomes Project 0.00060; 1000 Genomes Project 30x 0.00062; ESP Exome Variant Server 0.00215; ExAC 0.00241.
gnomAD v4.1: 4,819 of 1,613,676 alleles (0.3%); highest among the groups gnomAD compares: Non-Finnish European, 0.38%; 8 homozygotes.

Submissions (2):

CeGaT Center for Human Genetics Tuebingen
Classification: Likely benign. Last evaluated: 2022-12-01. Review status: criteria provided, single submitter. Criteria: CeGaT Center For Human Genetics Tuebingen Variant Classification Criteria Version 2. Collection method: clinical testing. Allele origin: germline. Affected: yes. Observed: 1 variant allele.
Comment: FNDC3B: BP4, BP7

PreventionGenetics, part of Exact Sciences
Classification: Likely benign for FNDC3B-related condition. Last evaluated: 2020-01-21. Review status: no assertion criteria provided. Collection method: clinical testing. Allele origin: germline. Not counted in ClinVar's aggregate classification.
Comment: This variant is classified as likely benign based on ACMG/AMP sequence variant interpretation guidelines (Richards et al. 2015 PMID: 25741868, with internal and published modifications).

NM_022763.4(FNDC3B):c.1698G>A (p.Thr566=)

Gene: FNDC3B (fibronectin type III domain containing 3B; plus strand). Cytogenetic location: 3q26.31.
Variant type: single nucleotide variant.
Coding change: c.1698G>A on transcript NM_022763.4 (MANE Select); coding-DNA position 1698, G replaced by A.
Protein change: p.Thr566=; no amino-acid change (threonine 566 retained).
Molecular consequence: synonymous variant.
Genome position (GRCh38, 1-based): chr3:172,335,000, G>A. VCF-style: chr3-172335000-G-A. GRCh37 (hg19) VCF-style: chr3-172052790-G-A.
Other names: c.1698G>A, p.Thr566= (NM_001135095.2); c.1698G>A (NM_022763.3).
Identifiers: ClinVar variation 2654279 (VCV002654279.25), dbSNP rs139505585, ClinGen allele CA2705766.